The following is an entry in ClinVar:

ClinVar aggregate classification (germline): Benign. Review status: criteria provided, multiple submitters, no conflicts (2 of 4 stars). 13 submissions from 10 submitters: Benign (13). Last evaluated 2026-02-01.

Conditions:
Malignant hyperthermia, susceptibility to, 5 (MHS5). Also called: CACNA1S-Related Malignant Hyperthermia Susceptibility. Identifiers: Orphanet 423, MedGen C1866077, MONDO:0011163, OMIM 601887.
Hypokalemic periodic paralysis, type 1. Also called: HypoPP; Hypokalemic Periodic Paralysis Type 1 (AD). Identifiers: Orphanet 681, MedGen C3714580, MONDO:0042979, OMIM 170400.
Congenital myopathy 18. Also called: DIHYDROPYRIDINE RECEPTOR CONGENITAL MYOPATHY; DHPR CONGENITAL MYOPATHY; Myopathy, congenital, due to dihydropyridine receptor defect. Identifiers: MedGen C5830283, MONDO:0859514, OMIM 620246.
Thyrotoxic periodic paralysis, susceptibility to, 1 (TTPP1). Identifiers: Orphanet 79102, MedGen C2749982, MONDO:0008570, OMIM 188580.

Allele frequency attached by ClinVar (database versions not stated): gnomAD exomes 0.00657; ExAC 0.00718; 1000 Genomes Project 0.01817; 1000 Genomes Project 30x 0.01905; ESP Exome Variant Server 0.01991; TOPMed 0.02139.
gnomAD v4.1: 7,146 of 1,613,926 alleles (0.44%); highest among the groups gnomAD compares: African/African-American, 6.3%; 191 homozygotes.

Submissions (13):

Labcorp Genetics (formerly Invitae), Labcorp
Classification: Benign for Hypokalemic periodic paralysis, type 1; Malignant hyperthermia, susceptibility to, 5. Last evaluated: 2026-02-01. Review status: criteria provided, single submitter. Criteria: Invitae Variant Classification Sherloc (09022015). Collection method: clinical testing. Allele origin: germline.

Athena Diagnostics
Classification: Benign. Last evaluated: 2025-09-11. Review status: criteria provided, single submitter. Criteria: Athena Diagnostics Criteria. Collection method: clinical testing. Allele origin: unknown.
Comment: The frequency of this variant in the general population is higher than would generally be expected for pathogenic variants in this gene.

All of Us Research Program, National Institutes of Health
Classification: Benign for Malignant hyperthermia, susceptibility to, 5. Last evaluated: 2024-02-05. Review status: criteria provided, single submitter. Criteria: ACMG Guidelines, 2015. Collection method: clinical testing. Allele origin: germline. Inheritance: Autosomal dominant inheritance. Observed: 1,485 variant alleles, 1,452 heterozygotes, 33 homozygotes.
Comment: This study involves interpretation of variants in research participants for the purpose of population health screening. Participant phenotype was not available at the time of variant classification. Additional details can be found in publication PMID: 35346344, PMCID: PMC8962531

Genome-Nilou Lab
Classification: Benign for Malignant hyperthermia, susceptibility to, 5. Last evaluated: 2023-04-11. Review status: criteria provided, single submitter. Criteria: ACMG Guidelines, 2015. Collection method: clinical testing. Allele origin: germline. Affected: no.

Genome-Nilou Lab
Classification: Benign for Thyrotoxic periodic paralysis, susceptibility to, 1. Last evaluated: 2023-04-11. Review status: criteria provided, single submitter. Criteria: ACMG Guidelines, 2015. Collection method: clinical testing. Allele origin: germline. Affected: no.

Genome-Nilou Lab
Classification: Benign for Congenital myopathy 18. Last evaluated: 2023-04-11. Review status: criteria provided, single submitter. Criteria: ACMG Guidelines, 2015. Collection method: clinical testing. Allele origin: germline. Affected: no.

Genome-Nilou Lab
Classification: Benign for Hypokalemic periodic paralysis, type 1. Last evaluated: 2023-04-11. Review status: criteria provided, single submitter. Criteria: ACMG Guidelines, 2015. Collection method: clinical testing. Allele origin: germline. Affected: no.

Mayo Clinic Laboratories, Mayo Clinic
Classification: Benign. Last evaluated: 2021-09-30. Review status: criteria provided, single submitter. Criteria: ACMG Guidelines, 2015. Collection method: clinical testing. Allele origin: germline. Observed: 11 variant alleles.
Comment: BS1, BS2, BP4, BP7

Color Diagnostics, LLC DBA Color Health
Classification: Benign for Malignant hyperthermia, susceptibility to, 5. Last evaluated: 2019-03-29. Review status: criteria provided, single submitter. Criteria: ACMG Guidelines, 2015. Collection method: clinical testing. Allele origin: germline.

Illumina Laboratory Services, Illumina
Classification: Benign for Hypokalemic periodic paralysis, type 1. Last evaluated: 2018-01-13. Review status: criteria provided, single submitter. Criteria: ICSL Variant Classification Criteria 13 December 2019. Collection method: clinical testing. Allele origin: germline.
Comment: This variant was observed in the ICSL laboratory as part of a predisposition screen in an ostensibly healthy population. It had not been previously curated by ICSL or reported in the Human Gene Mutation Database (HGMD: prior to June 1st, 2018), and was therefore a candidate for classification through an automated scoring system. Utilizing variant allele frequency, disease prevalence and penetrance estimates, and inheritance mode, an automated score was calculated to assess if this variant is too frequent to cause the disease. Based on the score and internal cut-off values, a variant classified as benign is not then subjected to further curation. The score for this variant resulted in a classification of benign for this disease.

GeneDx
Classification: Benign. Last evaluated: 2016-07-15. Review status: criteria provided, single submitter. Criteria: GeneDx Variant Classification (06012015). Collection method: clinical testing. Allele origin: germline. Affected: yes.
Comment: This variant is considered likely benign or benign based on one or more of the following criteria: it is a conservative change, it occurs at a poorly conserved position in the protein, it is predicted to be benign by multiple in silico algorithms, and/or has population frequency not consistent with disease.

Breakthrough Genomics
Classification: Benign. Review status: criteria provided, single submitter. Criteria: ACMG Guidelines, 2015. Collection method: not provided. Allele origin: germline. Inheritance: Autosomal dominant inheritance. Affected: yes.

PreventionGenetics, part of Exact Sciences
Classification: Benign. Review status: criteria provided, single submitter. Criteria: ACMG Guidelines, 2015. Collection method: clinical testing. Allele origin: germline.

NM_000069.3(CACNA1S):c.1995C>T (p.Ala665=)

Gene: CACNA1S (calcium voltage-gated channel subunit alpha1 S; minus strand). Cytogenetic location: 1q32.1.
Variant type: single nucleotide variant.
Coding change: c.1995C>T on transcript NM_000069.3 (MANE Select); coding-DNA position 1995, C replaced by T.
Protein change: p.Ala665=; no amino-acid change (alanine 665 retained).
Molecular consequence: synonymous variant.
Genome position (GRCh38, 1-based): chr1:201,074,574, G>A on the plus strand (C>T on the coding strand, the complement: CACNA1S is on the minus strand). VCF-style: chr1-201074574-G-A. GRCh37 (hg19) VCF-style: chr1-201043702-G-A.
Other names: p.Ala665=.
Identifiers: ClinVar variation 254809 (VCV000254809.24), dbSNP rs16847664, ClinGen allele CA078738.